The following is an entry in ClinVar:

ClinVar aggregate classification (germline): Uncertain significance (1 of 4 stars; one submission).

Allele frequency attached by ClinVar (database versions not stated): TOPMed below 0.00001; gnomAD 0.00001; ExAC 0.00002; 1000 Genomes Project 0.00020; 1000 Genomes Project 30x 0.00031.
gnomAD v4.1: 11 of 1,613,710 alleles (0.00068%); highest among the groups gnomAD compares: South Asian, 0.0088%; no homozygotes.

Submission:

Labcorp Genetics (formerly Invitae), Labcorp
Classification: Uncertain significance. Last evaluated: 2022-08-23. Review status: criteria provided, single submitter. Criteria: Invitae Variant Classification Sherloc (09022015). Collection method: clinical testing. Allele origin: germline.
Comment: This variant has not been reported in the literature in individuals affected with DEAF1-related conditions. This variant is present in population databases (rs552504630, gnomAD 0.01%). This sequence change replaces arginine, which is basic and polar, with histidine, which is basic and polar, at codon 530 of the DEAF1 protein (p.Arg530His). Advanced modeling of protein sequence and biophysical properties (such as structural, functional, and spatial information, amino acid conservation, physicochemical variation, residue mobility, and thermodynamic stability) performed at Invitae indicates that this missense variant is expected to disrupt DEAF1 protein function. In summary, the available evidence is currently insufficient to determine the role of this variant in disease. Therefore, it has been classified as a Variant of Uncertain Significance.

NM_021008.4(DEAF1):c.1589G>A (p.Arg530His)

Gene: DEAF1 (DEAF1 transcription factor; minus strand). Cytogenetic location: 11p15.5.
Variant type: single nucleotide variant.
Coding change: c.1589G>A on transcript NM_021008.4 (MANE Select); coding-DNA position 1589, G replaced by A.
Protein change: p.Arg530His; replaces arginine 530 with histidine.
Molecular consequence: missense variant.
Genome position (GRCh38, 1-based): chr11:653,966, C>T on the plus strand (G>A on the coding strand, the complement: DEAF1 is on the minus strand). VCF-style: chr11-653966-C-T. GRCh37 (hg19) VCF-style: chr11-653966-C-T.
Other names: c.1364G>A, p.Arg455His (NM_001293634.2); c.863G>A, p.Arg288His (NM_001367390.1); short protein forms R455H, R530H, R288H.
Identifiers: ClinVar variation 2156482 (VCV002156482.4), dbSNP rs552504630, ClinGen allele CA5786149.
Genomic context (GRCh38, chr11:653,966, plus strand): 5'-GTCTTCGTAGCGAGGGAGGAGGCGGGGGCACTGAGCCTGGTGTAGGTGAGACCTACCTTG[C>T]GTTGGCAGAAGGTGGAGCAGTAGTTGACCTTGTGGCAGCCGGTGCACTCGCTCATAGCCT-3'
Protein context (NP_066288.2, residues 520-540): KVNYCSTFCQ[Arg530His]KDWKDHQHIC